The following is an entry in ClinVar:

ClinVar aggregate classification (germline): Uncertain significance (1 of 4 stars; one submission).

gnomAD v4.1: 1 of 1,613,266 alleles (0.000062%); highest among the groups gnomAD compares: Non-Finnish European, 0.000085%; no homozygotes.

Submission:

GeneDx
Classification: Uncertain significance. Last evaluated: 2022-10-09. Review status: criteria provided, single submitter. Criteria: GeneDx Variant Classification Process June 2021. Collection method: clinical testing. Allele origin: germline. Affected: yes.
Comment: Not observed at significant frequency in large population cohorts (gnomAD); In silico analysis supports that this missense variant has a deleterious effect on protein structure/function; Has not been previously published as pathogenic or benign to our knowledge

NM_207037.2(TCF12):c.634C>G (p.Pro212Ala)

Gene: TCF12 (transcription factor 12; plus strand). Cytogenetic location: 15q21.3.
Variant type: single nucleotide variant.
Coding change: c.634C>G on transcript NM_207037.2 (MANE Select); coding-DNA position 634, C replaced by G.
Protein change: p.Pro212Ala; replaces proline 212 with alanine.
Molecular consequence: missense variant. On other transcripts: 5 prime UTR variant (1).
Genome position (GRCh38, 1-based): chr15:57,231,206, C>G. VCF-style: chr15-57231206-C-G. GRCh37 (hg19) VCF-style: chr15-57523404-C-G.
Other names: c.124C>G, p.Pro42Ala (NM_001306219.3, NM_207040.2); c.66C>G, p.Ile22Met (NM_001306220.3); c.634C>G, p.Pro212Ala (NM_001322151.2, NM_001322152.2, NM_001322157.3 and 7 more transcripts); c.-24C>G (NM_001322154.2); c.460C>G, p.Pro154Ala (NM_001322156.2, NM_001322158.2); c.670C>G, p.Pro224Ala (NM_001322164.2); short protein forms I22M, P154A, P212A, P224A, P42A.
Identifiers: ClinVar variation 2497911 (VCV002497911.1), dbSNP rs2038385093, ClinGen allele CA392590561.